The following is an entry in ClinVar:

ClinVar aggregate classification (germline): Uncertain significance (1 of 4 stars; one submission).

gnomAD v4.1: 1 of 1,474,288 alleles (0.000068%); highest among the groups gnomAD compares: Non-Finnish European, 0.00009%; no homozygotes.

Submission:

Labcorp Genetics (formerly Invitae), Labcorp
Classification: Uncertain significance. Last evaluated: 2022-04-05. Review status: criteria provided, single submitter. Criteria: Invitae Variant Classification Sherloc (09022015). Collection method: clinical testing. Allele origin: germline.
Comment: In summary, the available evidence is currently insufficient to determine the role of this variant in disease. Therefore, it has been classified as a Variant of Uncertain Significance. Algorithms developed to predict the effect of missense changes on protein structure and function are either unavailable or do not agree on the potential impact of this missense change (SIFT: "Tolerated"; PolyPhen-2: "Not Available"; Align-GVGD: "Class C0"). This variant has not been reported in the literature in individuals affected with KMT2B-related conditions. This variant is not present in population databases (gnomAD no frequency). This sequence change replaces proline, which is neutral and non-polar, with arginine, which is basic and polar, at codon 432 of the KMT2B protein (p.Pro432Arg).

NM_014727.3(KMT2B):c.1295C>G (p.Pro432Arg)

Gene: KMT2B (lysine methyltransferase 2B; plus strand). Cytogenetic location: 19q13.12.
Variant type: single nucleotide variant.
Coding change: c.1295C>G on transcript NM_014727.3 (MANE Select); coding-DNA position 1295, C replaced by G.
Protein change: p.Pro432Arg; replaces proline 432 with arginine.
Molecular consequence: missense variant.
Genome position (GRCh38, 1-based): chr19:35,720,642, C>G. VCF-style: chr19-35720642-C-G. GRCh37 (hg19) VCF-style: chr19-36211544-C-G.
Other names: short protein forms P432R.
Identifiers: ClinVar variation 1963869 (VCV001963869.5), dbSNP rs867531414, ClinGen allele CA405389853.